The following is an entry in ClinVar:

NM_139125.4(MASP1):c.1136C>T (p.Thr379Ile)

Gene: MASP1 (MBL associated serine protease 1; minus strand). Cytogenetic location: 3q27.3.
Variant type: single nucleotide variant.
Coding change: c.1136C>T on transcript NM_139125.4 (MANE Select); coding-DNA position 1136, C replaced by T.
Protein change: p.Thr379Ile; replaces threonine 379 with isoleucine.
Molecular consequence: missense variant. On other transcripts: non-coding transcript variant (1).
Genome position (GRCh38, 1-based): chr3:187,243,576, G>A on the plus strand (C>T on the coding strand, the complement: MASP1 is on the minus strand). VCF-style: chr3-187243576-G-A. GRCh37 (hg19) VCF-style: chr3-186961364-G-A.
Other names: c.1136C>T, p.Thr379Ile (NM_001879.6); short protein forms T379I.
Identifiers: ClinVar variation 392926 (VCV000392926.11), dbSNP rs146265553, ClinGen allele CA2749345.

ClinVar aggregate classification (germline): Conflicting classifications of pathogenicity. Review status: criteria provided, conflicting classifications (1 of 4 stars). 3 submissions from 3 submitters: Uncertain significance (1); Likely benign (2). Last evaluated 2025-04-02.

Conditions:
3MC syndrome 1. Also called: OCULOPALATOSKELETAL SYNDROME; MICHELS SYNDROME; CRANIOSYNOSTOSIS WITH LID ANOMALIES. Identifiers: Orphanet 293843, MedGen C0796059, MONDO:0009770, OMIM 257920.
Inborn genetic diseases. Identifiers: MedGen C0950123, MeSH D030342.

Allele frequency attached by ClinVar (database versions not stated): gnomAD exomes 0.00007 and 0.00016; ExAC 0.00021; 1000 Genomes Project 0.00060; 1000 Genomes Project 30x 0.00062; ESP Exome Variant Server 0.00069; gnomAD 0.00072 and 0.00078; TOPMed 0.00077.
gnomAD v4.1: 208 of 1,614,188 alleles (0.013%); highest among the groups gnomAD compares: African/African-American, 0.25%; no homozygotes.

Submissions (3):

Labcorp Genetics (formerly Invitae), Labcorp
Classification: Likely benign for 3MC syndrome 1. Last evaluated: 2025-04-02. Review status: criteria provided, single submitter. Criteria: Invitae Variant Classification Sherloc (09022015). Collection method: clinical testing. Allele origin: germline.

GeneDx
Classification: Uncertain significance. Last evaluated: 2023-04-26. Review status: criteria provided, single submitter. Criteria: GeneDx Variant Classification Process June 2021. Collection method: clinical testing. Allele origin: germline. Affected: yes.
Comment: In silico analysis supports that this missense variant has a deleterious effect on protein structure/function; This variant is associated with the following publications: (PMID: 33144682)

Ambry Genetics
Classification: Likely benign for Inborn genetic diseases. Last evaluated: 2022-09-08. Review status: criteria provided, single submitter. Criteria: Ambry Variant Classification Scheme 2023. Collection method: clinical testing. Allele origin: germline.